The following is an entry in ClinVar:

NM_004655.4(AXIN2):c.736A>G (p.Thr246Ala)

Gene: AXIN2 (axin 2; minus strand). Cytogenetic location: 17q24.1.
Variant type: single nucleotide variant.
Coding change: c.736A>G on transcript NM_004655.4 (MANE Select); coding-DNA position 736, A replaced by G.
Protein change: p.Thr246Ala; replaces threonine 246 with alanine.
Molecular consequence: missense variant.
Genome position (GRCh38, 1-based): chr17:65,557,885, T>C on the plus strand (A>G on the coding strand, the complement: AXIN2 is on the minus strand). VCF-style: chr17-65557885-T-C. GRCh37 (hg19) VCF-style: chr17-63554003-T-C.
Other names: c.736A>G, p.Thr246Ala (NM_001363813.1); short protein forms T246A.
Identifiers: ClinVar variation 826991 (VCV000826991.15), dbSNP rs1555583222, ClinGen allele CA400680378.

ClinVar aggregate classification (germline): Uncertain significance. Review status: criteria provided, multiple submitters, no conflicts (2 of 4 stars). 2 submissions from 2 submitters: Uncertain significance (2). Last evaluated 2025-12-02.

Conditions:
Hereditary cancer-predisposing syndrome. Also called: Neoplastic Syndromes, Hereditary; Tumor predisposition; Hereditary neoplastic syndrome; Hereditary Cancer Syndrome. Identifiers: Orphanet 140162, MedGen C0027672, MeSH D009386, MONDO:0015356.
Oligodontia-cancer predisposition syndrome. Also called: TOOTH AGENESIS-COLORECTAL CANCER SYNDROME. Identifiers: Orphanet 300576, MedGen C1837750, MONDO:0012075, OMIM 608615. Disease mechanism: loss of function.

Allele frequency attached by ClinVar (database versions not stated): gnomAD exomes below 0.00001.
gnomAD v4.1: 2 of 1,614,182 alleles (0.00012%); highest among the groups gnomAD compares: South Asian, 0.0011%; no homozygotes.

Submissions (2):

Ambry Genetics
Classification: Uncertain significance for Hereditary cancer-predisposing syndrome. Last evaluated: 2025-12-02. Review status: criteria provided, single submitter. Criteria: Ambry Variant Classification Scheme 2023. Collection method: clinical testing. Allele origin: germline.

Labcorp Genetics (formerly Invitae), Labcorp
Classification: Uncertain significance for Oligodontia-cancer predisposition syndrome. Last evaluated: 2025-10-27. Review status: criteria provided, single submitter. Criteria: Invitae Variant Classification Sherloc (09022015). Collection method: clinical testing. Allele origin: germline.
Comment: This sequence change replaces threonine, which is neutral and polar, with alanine, which is neutral and non-polar, at codon 246 of the AXIN2 protein (p.Thr246Ala). This variant is not present in population databases (gnomAD no frequency). This variant has not been reported in the literature in individuals affected with AXIN2-related conditions. ClinVar contains an entry for this variant (Variation ID: 826991). Invitae Evidence Modeling of protein sequence and biophysical properties (such as structural, functional, and spatial information, amino acid conservation, physicochemical variation, residue mobility, and thermodynamic stability) indicates that this missense variant is not expected to disrupt AXIN2 protein function with a negative predictive value of 80%. In summary, the available evidence is currently insufficient to determine the role of this variant in disease. Therefore, it has been classified as a Variant of Uncertain Significance.